The following is an entry in ClinVar:

NM_004646.4(NPHS1):c.2156_2163del (p.Leu719fs)

Gene: NPHS1 (NPHS1 adhesion molecule, nephrin; minus strand). Cytogenetic location: 19q13.12.
Variant type: Deletion.
Coding change: c.2156_2163del on transcript NM_004646.4 (MANE Select); coding-DNA positions 2156 to 2163, 8 bases deleted (TGCACTGC; older notation c.2156_2163delTGCACTGC).
Protein change: p.Leu719fs; shifts the reading frame from leucine 719.
Molecular consequence: frameshift variant.
Genome position (GRCh38, 1-based): chr19:35,844,152-35,844,159, GCAGTGCA deleted on the plus strand (TGCACTGC on the coding strand, the reverse complement: NPHS1 is on the minus strand); deleting any 8 consecutive bases within chr19:35,844,152-35,844,161 gives the same sequence; the c. name uses the placement nearest the transcript's 3' end. VCF-style (leftmost placement, unchanged base first): chr19-35844151-GGCAGTGCA-G. GRCh37 (hg19) VCF-style: chr19-36335053-GGCAGTGCA-G.
Other names: c.2156_2163delTGCACTGC (NM_004646.3); short protein forms L719fs.
Identifiers: ClinVar variation 56463 (VCV000056463.14), dbSNP rs386833903, ClinGen allele CA250169.

ClinVar aggregate classification (germline): Pathogenic. Review status: criteria provided, multiple submitters, no conflicts (2 of 4 stars). 4 submissions from 4 submitters: Pathogenic (2). 2 of the submissions do not count toward it. Last evaluated 2022-09-01.

Conditions:
Finnish congenital nephrotic syndrome (NPHS1). Also called: NEPHROTIC SYNDROME, TYPE 1. Identifiers: Orphanet 839, MedGen C0403399, MONDO:0009732, OMIM 256300.

Submissions (4):

3billion
Classification: Pathogenic for Finnish congenital nephrotic syndrome. Last evaluated: 2022-09-01. Review status: criteria provided, single submitter. Criteria: ACMG Guidelines, 2015. Collection method: clinical testing. Allele origin: germline. Affected: yes. Observed: 1 heterozygote.
Comment: The variant is not observed in the gnomAD v2.1.1 dataset. Frameshift variant is predicted to result in a loss or disruption of normal protein function through nonsense-mediated decay (NMD) or protein truncation. Multiple pathogenic variants are reported downstream of the variant. The variant has been reported at least twice as pathogenic without evidence for the classification (ClinVar ID: VCV000056463 / PMID: 15780077). Therefore, this variant is classified as Pathogenic according to the recommendation of ACMG/AMP guideline.

Labcorp Genetics (formerly Invitae), Labcorp
Classification: Pathogenic. Last evaluated: 2021-11-26. Review status: criteria provided, single submitter. Criteria: Invitae Variant Classification Sherloc (09022015). Collection method: clinical testing. Allele origin: germline.
Comment: This sequence change creates a premature translational stop signal (p.Leu719Profs*4) in the NPHS1 gene. It is expected to result in an absent or disrupted protein product. Loss-of-function variants in NPHS1 are known to be pathogenic (PMID: 11317351, 11854170, 12039988). This variant is not present in population databases (gnomAD no frequency). This premature translational stop signal has been observed in individual(s) with NPHS1-related conditions (PMID: 15780077, 27882743). In at least one individual the data is consistent with being in trans (on the opposite chromosome) from a pathogenic variant. ClinVar contains an entry for this variant (Variation ID: 56463). For these reasons, this variant has been classified as Pathogenic.

Counsyl
Classification: Likely pathogenic for Finnish congenital nephrotic syndrome. Last evaluated: 2014-11-19. Review status: no assertion criteria provided. Collection method: literature only. Allele origin: unknown. Inheritance: Autosomal recessive inheritance. Not counted in ClinVar's aggregate classification.

Juha Muilu Group; Institute for Molecular Medicine Finland (FIMM)
Classification: Likely pathogenic for Finnish congenital nephrotic syndrome. Review status: no assertion criteria provided. Collection method: not provided. Allele origin: unknown. Not counted in ClinVar's aggregate classification.
Comment: FinDis database variant: This variant was not found or characterized by our laboratory, data were collected from public sources: see reference
ClinVar note: Converted during submission from probable-pathogenic to Likely pathogenic.

Literature cited by the submitters: PubMed 15780077 (cited by 3 submitters); PubMed 11317351 (cited by Labcorp Genetics (formerly Invitae), Labcorp); PubMed 11854170 (cited by Labcorp Genetics (formerly Invitae), Labcorp); PubMed 12039988 (cited by Labcorp Genetics (formerly Invitae), Labcorp); PubMed 27882743 (cited by Labcorp Genetics (formerly Invitae), Labcorp); PubMed 19194555 (cited by Counsyl).